The following is an entry in ClinVar:

ClinVar aggregate classification (germline): Uncertain significance. Review status: criteria provided, multiple submitters, no conflicts (2 of 4 stars). 2 submissions from 2 submitters: Uncertain significance (2). Last evaluated 2024-08-12.

Conditions:
Inborn genetic diseases. Identifiers: MedGen C0950123, MeSH D030342.

Allele frequency attached by ClinVar (database versions not stated): gnomAD exomes 0.00004; TOPMed 0.00004; ExAC 0.00005; gnomAD 0.00006; 1000 Genomes Project 0.00060; 1000 Genomes Project 30x 0.00062.
gnomAD v4.1: 73 of 1,606,912 alleles (0.0045%); highest among the groups gnomAD compares: Admixed American, 0.015%; no homozygotes.

Submissions (2):

Ambry Genetics
Classification: Uncertain significance for Inborn genetic diseases. Last evaluated: 2024-08-12. Review status: criteria provided, single submitter. Criteria: Ambry Variant Classification Scheme 2023. Collection method: clinical testing. Allele origin: germline.

Labcorp Genetics (formerly Invitae), Labcorp
Classification: Uncertain significance. Last evaluated: 2024-04-13. Review status: criteria provided, single submitter. Criteria: Invitae Variant Classification Sherloc (09022015). Collection method: clinical testing. Allele origin: germline.
Comment: This sequence change replaces proline, which is neutral and non-polar, with serine, which is neutral and polar, at codon 648 of the REST protein (p.Pro648Ser). This variant is present in population databases (rs569722591, gnomAD 0.02%). This variant has not been reported in the literature in individuals affected with REST-related conditions. ClinVar contains an entry for this variant (Variation ID: 2082453). An algorithm developed to predict the effect of missense changes on protein structure and function (PolyPhen-2) suggests that this variant is likely to be tolerated. In summary, the available evidence is currently insufficient to determine the role of this variant in disease. Therefore, it has been classified as a Variant of Uncertain Significance.

NM_005612.5(REST):c.1942C>T (p.Pro648Ser)

Gene: REST (RE1 silencing transcription factor; plus strand). Cytogenetic location: 4q12.
Variant type: single nucleotide variant.
Coding change: c.1942C>T on transcript NM_005612.5 (MANE Select); coding-DNA position 1942, C replaced by T.
Protein change: p.Pro648Ser; replaces proline 648 with serine.
Molecular consequence: missense variant.
Genome position (GRCh38, 1-based): chr4:56,930,800, C>T. VCF-style: chr4-56930800-C-T. GRCh37 (hg19) VCF-style: chr4-57796966-C-T.
Other names: c.1942C>T, p.Pro648Ser (NM_001193508.2, NM_001363453.3); short protein forms P648S.
Identifiers: ClinVar variation 2082453 (VCV002082453.5), dbSNP rs569722591, ClinGen allele CA2932359.